The following is an entry in ClinVar:

NM_005430.4(WNT1):c.52G>A (p.Ala18Thr)

Gene: WNT1 (Wnt family member 1; plus strand). Cytogenetic location: 12q13.12.
Variant type: single nucleotide variant.
Coding change: c.52G>A on transcript NM_005430.4 (MANE Select); coding-DNA position 52, G replaced by A.
Protein change: p.Ala18Thr; replaces alanine 18 with threonine.
Molecular consequence: missense variant.
Genome position (GRCh38, 1-based): chr12:48,978,702, G>A. VCF-style: chr12-48978702-G-A. GRCh37 (hg19) VCF-style: chr12-49372485-G-A.
Other names: c.52G>A (NM_005430.3); short protein forms A18T.
Identifiers: ClinVar variation 1900992 (VCV001900992.7), dbSNP rs142730766, ClinGen allele CA6544302.

ClinVar aggregate classification (germline): Uncertain significance. Review status: criteria provided, multiple submitters, no conflicts (2 of 4 stars). 3 submissions from 3 submitters: Uncertain significance (3). Last evaluated 2026-01-22.

Conditions:
Inborn genetic diseases. Identifiers: MedGen C0950123, MeSH D030342.

Allele frequency attached by ClinVar (database versions not stated): ExAC 0.00012; 1000 Genomes Project 30x 0.00016; 1000 Genomes Project 0.00020; gnomAD 0.00027; ESP Exome Variant Server 0.00031; TOPMed 0.00034.

Submissions (3):

Labcorp Genetics (formerly Invitae), Labcorp
Classification: Uncertain significance. Last evaluated: 2026-01-22. Review status: criteria provided, single submitter. Criteria: Invitae Variant Classification Sherloc (09022015). Collection method: clinical testing. Allele origin: germline.
Comment: This sequence change replaces alanine, which is neutral and non-polar, with threonine, which is neutral and polar, at codon 18 of the WNT1 protein (p.Ala18Thr). This variant is present in population databases (rs142730766, gnomAD 0.09%). This variant has not been reported in the literature in individuals affected with WNT1-related conditions. ClinVar contains an entry for this variant (Variation ID: 1900992). An algorithm developed to predict the effect of missense changes on protein structure and function (PolyPhen-2) suggests that this variant is likely to be disruptive. In summary, the available evidence is currently insufficient to determine the role of this variant in disease. Therefore, it has been classified as a Variant of Uncertain Significance.

Women's Health and Genetics/Laboratory Corporation of America, LabCorp
Classification: Uncertain significance. Last evaluated: 2024-06-20. Review status: criteria provided, single submitter. Criteria: LabCorp Variant Classification Summary - May 2015. Collection method: clinical testing. Allele origin: germline.
Comment: Variant summary: WNT1 c.52G>A (p.Ala18Thr) results in a non-conservative amino acid change in the encoded protein sequence. Three of five in-silico tools predict a benign effect of the variant on protein function. The variant allele was found at a frequency of 7.4e-05 in 231256 control chromosomes. This frequency is not significantly higher than estimated for a pathogenic variant in WNT1 causing Osteogenesis Imperfecta (7.4e-05 vs 0.0011), allowing no conclusion about variant significance. To our knowledge, no occurrence of c.52G>A in individuals affected with Osteogenesis Imperfecta and no experimental evidence demonstrating its impact on protein function have been reported. ClinVar contains an entry for this variant (Variation ID: 1900992). Based on the evidence outlined above, the variant was classified as uncertain significance.

Ambry Genetics
Classification: Uncertain significance for Inborn genetic diseases. Last evaluated: 2024-01-04. Review status: criteria provided, single submitter. Criteria: Ambry Variant Classification Scheme 2023. Collection method: clinical testing. Allele origin: germline.